The following is an entry in ClinVar:

NM_052867.4(NALCN):c.291+5G>A

Gene: NALCN (sodium leak channel, non-selective; minus strand). Cytogenetic location: 13q33.1.
Variant type: single nucleotide variant.
Coding change: c.291+5G>A on transcript NM_052867.4 (MANE Select); 5 bases into the intron after coding-DNA position 291, G replaced by A.
Molecular consequence: intron variant.
Genome position (GRCh38, 1-based): chr13:101,395,178, C>T on the plus strand (G>A on the coding strand, the complement: NALCN is on the minus strand). VCF-style: chr13-101395178-C-T. GRCh37 (hg19) VCF-style: chr13-102047529-C-T.
Other names: c.291+5G>A (NM_001350751.2, NM_001350749.2, NM_001350750.2 and 1 more transcripts).
Identifiers: ClinVar variation 2833032 (VCV002833032.3), dbSNP rs2548614552, ClinGen allele CA2739277710.

ClinVar aggregate classification (germline): Uncertain significance (1 of 4 stars; one submission).

Submission:

Labcorp Genetics (formerly Invitae), Labcorp
Classification: Uncertain significance. Last evaluated: 2023-08-10. Review status: criteria provided, single submitter. Criteria: Invitae Variant Classification Sherloc (09022015). Collection method: clinical testing. Allele origin: germline.
Comment: In summary, the available evidence is currently insufficient to determine the role of this variant in disease. Therefore, it has been classified as a Variant of Uncertain Significance. Variants that disrupt the consensus splice site are a relatively common cause of aberrant splicing (PMID: 17576681, 9536098). Algorithms developed to predict the effect of sequence changes on RNA splicing suggest that this variant may disrupt the consensus splice site. This variant has not been reported in the literature in individuals affected with NALCN-related conditions. This variant is not present in population databases (gnomAD no frequency). This sequence change falls in intron 3 of the NALCN gene. It does not directly change the encoded amino acid sequence of the NALCN protein. It affects a nucleotide within the consensus splice site.

Literature cited by the submitters: PubMed 17576681; PubMed 9536098.